The following is an entry in ClinVar:

ClinVar aggregate classification (germline): Uncertain significance (1 of 4 stars; one submission).

Submission:

Labcorp Genetics (formerly Invitae), Labcorp
Classification: Uncertain significance. Last evaluated: 2025-07-30. Review status: criteria provided, single submitter. Criteria: Invitae Variant Classification Sherloc (09022015). Collection method: clinical testing. Allele origin: germline.
Comment: This sequence change replaces arginine, which is basic and polar, with glycine, which is neutral and non-polar, at codon 16 of the RPL19 protein (p.Arg16Gly). This variant is not present in population databases (gnomAD no frequency). This variant has not been reported in the literature in individuals affected with RPL19-related conditions. An algorithm developed to predict the effect of missense changes on protein structure and function (PolyPhen-2) suggests that this variant is likely to be tolerated. In summary, the available evidence is currently insufficient to determine the role of this variant in disease. Therefore, it has been classified as a Variant of Uncertain Significance.

NM_000981.4(RPL19):c.46C>G (p.Arg16Gly)

Gene: RPL19 (ribosomal protein L19; plus strand). Cytogenetic location: 17q12.
Variant type: single nucleotide variant.
Coding change: c.46C>G on transcript NM_000981.4 (MANE Select); coding-DNA position 46, C replaced by G.
Protein change: p.Arg16Gly; replaces arginine 16 with glycine.
Molecular consequence: missense variant.
Genome position (GRCh38, 1-based): chr17:39,201,253, C>G. VCF-style: chr17-39201253-C-G. GRCh37 (hg19) VCF-style: chr17-37357506-C-G.
Other names: c.40C>G, p.Arg14Gly (NM_001330200.1); short protein forms R14G, R16G.
Identifiers: ClinVar variation 4713162 (VCV004713162.1).